The following is an entry in ClinVar:

NM_001845.6(COL4A1):c.*766G>A

Gene: COL4A1 (collagen type IV alpha 1 chain; minus strand). Cytogenetic location: 13q34.
Variant type: single nucleotide variant.
Coding change: c.*766G>A on transcript NM_001845.6 (MANE Select); 766 bases downstream of the stop codon, G replaced by A.
Molecular consequence: 3 prime UTR variant.
Genome position (GRCh38, 1-based): chr13:110,149,597, C>T on the plus strand (G>A on the coding strand, the complement: COL4A1 is on the minus strand). VCF-style: chr13-110149597-C-T. GRCh37 (hg19) VCF-style: chr13-110801944-C-T.
Identifiers: ClinVar variation 311008 (VCV000311008.8), dbSNP rs371130027, ClinGen allele CA10638930.
Genomic context (GRCh38, chr13:110,149,597, plus strand): 5'-TGGTTTAGAAGTGAACAATGAAAACGGATGTTTCACATTCAATATCCTAGTCTTTAAAAA[C>T]CTATGTTAAAGGACAGCACAGTCTTTCAAAGGAAGAAAACTATGTAAGCTTTATTTTAAC-3'

ClinVar aggregate classification (germline): Benign. Review status: criteria provided, single submitter (1 of 4 stars). 2 submissions from 1 submitter: Benign (2). Last evaluated 2018-01-12.

Conditions:
Brain small vessel disease 1 with or without ocular anomalies (BSVD1). Also called: BRAIN SMALL VESSEL DISEASE WITH HEMORRHAGE; GOULD SYNDROME 1; PORENCEPHALY, TYPE 1, AUTOSOMAL DOMINANT; Brain small vessel disease with or without ocular anomalies. Identifiers: Orphanet 2940, Orphanet 36383, Orphanet 99810, MedGen C4755307, MONDO:0008289, OMIM 175780.
Autosomal dominant familial hematuria-retinal arteriolar tortuosity-contractures syndrome. Also called: Angiopathy, hereditary, with nephropathy, aneurysms, and muscle cramps; Hereditary Angiopathy with Nephropathy, Aneurysms, and Muscle Cramps (HANAC) Syndrome. Identifiers: Orphanet 73229, MedGen C2673195, MONDO:0012726, OMIM 611773.

Allele frequency attached by ClinVar (database versions not stated): TOPMed 0.00005; gnomAD 0.00006 and 0.00009; 1000 Genomes Project 0.00040; 1000 Genomes Project 30x 0.00078.
gnomAD v4.1: 13 of 152,598 alleles (0.0085%); highest among the groups gnomAD compares: East Asian, 0.25%; no homozygotes.

Submissions (2):

Illumina Laboratory Services, Illumina
Classification: Benign for Brain small vessel disease 1 with or without ocular anomalies. Last evaluated: 2018-01-12. Review status: criteria provided, single submitter. Criteria: ICSL Variant Classification Criteria 13 December 2019. Collection method: clinical testing. Allele origin: germline.
Comment: This variant was observed in the ICSL laboratory as part of a predisposition screen in an ostensibly healthy population. It had not been previously curated by ICSL or reported in the Human Gene Mutation Database (HGMD: prior to June 1st, 2018), and was therefore a candidate for classification through an automated scoring system. Utilizing variant allele frequency, disease prevalence and penetrance estimates, and inheritance mode, an automated score was calculated to assess if this variant is too frequent to cause the disease. Based on the score and internal cut-off values, a variant classified as benign is not then subjected to further curation. The score for this variant resulted in a classification of benign for this disease.

Illumina Laboratory Services, Illumina
Classification: Benign for Autosomal dominant familial hematuria-retinal arteriolar tortuosity-contractures syndrome. Last evaluated: 2018-01-12. Review status: criteria provided, single submitter. Criteria: ICSL Variant Classification Criteria 13 December 2019. Collection method: clinical testing. Allele origin: germline.
Comment: the same text as in the submission from Illumina Laboratory Services, Illumina above.